The following is an entry in ClinVar:

NM_003070.5(SMARCA2):c.2838A>C (p.Leu946Phe)

Gene: SMARCA2 (SWI/SNF related BAF chromatin remodeling complex subunit ATPase 2; plus strand). Cytogenetic location: 9p24.3.
Variant type: single nucleotide variant.
Coding change: c.2838A>C on transcript NM_003070.5 (MANE Select); coding-DNA position 2838, A replaced by C.
Protein change: p.Leu946Phe; replaces leucine 946 with phenylalanine.
Molecular consequence: missense variant.
Genome position (GRCh38, 1-based): chr9:2,088,568, A>C. VCF-style: chr9-2088568-A-C. GRCh37 (hg19) VCF-style: chr9-2088568-A-C.
Other names: c.2838A>C, p.Leu946Phe (NM_001289396.2, NM_139045.4); c.2664A>C, p.Leu888Phe (NM_001289397.2); short protein forms L888F, L946F.
Identifiers: ClinVar variation 1805420 (VCV001805420.1), dbSNP rs281875205, ClinGen allele CA372785515.

ClinVar aggregate classification (germline): Pathogenic (1 of 4 stars; one submission).

Conditions:
Nicolaides-Baraitser syndrome (NCBRS). Also called: Intellectual disability-sparse hair-brachydactyly syndrome; SMARCA2-Related Nicolaides-Baraitser Syndrome. Identifiers: Orphanet 3051, MedGen C1303073, MONDO:0011053, OMIM 601358.

Submission:

Victorian Clinical Genetics Services, Murdoch Childrens Research Institute
Classification: Pathogenic for Nicolaides-Baraitser syndrome. Last evaluated: 2022-03-31. Review status: criteria provided, single submitter. Criteria: ACMG Guidelines, 2015. Collection method: clinical testing. Allele origin: germline. Inheritance: Autosomal dominant inheritance. Affected: yes.
Comment: Based on the classification scheme VCGS_Germline_v1.3.4, this variant is classified as Pathogenic. Following criteria are met: 0105 - The mechanism of disease for this gene is not clearly established. Dominant negative is a suggested mechanism for Nicolaides-Baraitser syndrome (PMID: 22366787). (I) 0107 - This gene is associated with autosomal dominant disease. (I) 0200 - Variant is predicted to result in a missense amino acid change from leucine to phenylalanine. (I) 0251 - This variant is heterozygous. (I) 0301 - Variant is absent from gnomAD (both v2 and v3). (SP) 0501 - Missense variant consistently predicted to be damaging by multiple in silico tools and very highly conserved with a minor amino acid change. (SP) 0603 - Missense variant in a region that is highly intolerant to missense variation (high constraint region in DECIPHER). (SP) 0704 - Another missense variant comparable to the one identified in this case has limited previous evidence for pathogenicity. An alternative change to a serine has been reported in an individual with Nicolaides-Baraitser syndrome (PMID: 22366787). (SP) 0803 - This variant has limited previous evidence of pathogenicity in an individual with Nicolaides-Baraitser syndrome (PMID: 22366787). (SP) 0905 - No published segregation evidence has been identified for this variant. (I) 1007 - No published functional evidence has been identified for this variant. (SP) Legend: (SP) - Supporting pathogenic, (I) - Information, (SB) - Supporting benign

Literature cited by the submitters: PubMed 22366787.